The following is an entry in ClinVar:

ClinVar aggregate classification (germline): Uncertain significance (1 of 4 stars; one submission).

Conditions:
SEMA7A-related disorder. Also called: SEMA7A-related condition.

Submission:

PreventionGenetics, part of Exact Sciences
Classification: Uncertain significance for SEMA7A-related condition. Last evaluated: 2026-05-28. Review status: criteria provided, single submitter. Criteria: ACMG Guidelines, 2015. Collection method: clinical testing. Allele origin: germline.
Comment: The SEMA7A c.1883A>T variant is predicted to result in the amino acid substitution p.Gln628Leu. To our knowledge, this variant has not been reported in the literature or in a large population database (gnomAD), indicating this variant is rare. At this time, the clinical significance of this variant is uncertain due to the absence of conclusive functional and genetic evidence.

NM_003612.5(SEMA7A):c.1883A>T (p.Gln628Leu)

Gene: SEMA7A (semaphorin 7A (JohnMiltonHagen blood group); minus strand). Cytogenetic location: 15q24.1.
Variant type: single nucleotide variant.
Coding change: c.1883A>T on transcript NM_003612.5 (MANE Select); coding-DNA position 1883, A replaced by T.
Protein change: p.Gln628Leu; replaces glutamine 628 with leucine.
Molecular consequence: missense variant.
Genome position (GRCh38, 1-based): chr15:74,410,742, T>A on the plus strand (A>T on the coding strand, the complement: SEMA7A is on the minus strand). VCF-style: chr15-74410742-T-A. GRCh37 (hg19) VCF-style: chr15-74703083-T-A.
Other names: c.1841A>T, p.Gln614Leu (NM_001146029.3); c.1388A>T, p.Gln463Leu (NM_001146030.3); short protein forms Q463L, Q628L, Q614L.
Identifiers: ClinVar variation 4993724 (VCV004993724.1).